The following is an entry in ClinVar:

ClinVar aggregate classification (germline): Uncertain significance (1 of 4 stars; one submission).

Submission:

Labcorp Genetics (formerly Invitae), Labcorp
Classification: Uncertain significance. Last evaluated: 2025-04-23. Review status: criteria provided, single submitter. Criteria: Invitae Variant Classification Sherloc (09022015). Collection method: clinical testing. Allele origin: germline.
Comment: This sequence change replaces aspartic acid, which is acidic and polar, with glutamic acid, which is acidic and polar, at codon 1211 of the POLE protein (p.Asp1211Glu). This variant is not present in population databases (gnomAD no frequency). This variant has not been reported in the literature in individuals affected with POLE-related conditions. ClinVar contains an entry for this variant (Variation ID: 2710268). Invitae Evidence Modeling of protein sequence and biophysical properties (such as structural, functional, and spatial information, amino acid conservation, physicochemical variation, residue mobility, and thermodynamic stability) indicates that this missense variant is not expected to disrupt POLE protein function with a negative predictive value of 80%. In summary, the available evidence is currently insufficient to determine the role of this variant in disease. Therefore, it has been classified as a Variant of Uncertain Significance.

NM_006231.4(POLE):c.3633C>G (p.Asp1211Glu)

Gene: POLE (DNA polymerase epsilon, catalytic subunit; minus strand). Cytogenetic location: 12q24.33.
Variant type: single nucleotide variant.
Coding change: c.3633C>G on transcript NM_006231.4 (MANE Select); coding-DNA position 3633, C replaced by G.
Protein change: p.Asp1211Glu; replaces aspartic acid 1211 with glutamic acid.
Molecular consequence: missense variant.
Genome position (GRCh38, 1-based): chr12:132,649,839, G>C on the plus strand (C>G on the coding strand, the complement: POLE is on the minus strand). VCF-style: chr12-132649839-G-C. GRCh37 (hg19) VCF-style: chr12-133226425-G-C.
Other names: short protein forms D1211E.
Identifiers: ClinVar variation 2710268 (VCV002710268.3), dbSNP rs2541955553, ClinGen allele CA387386899.